The following is an entry in ClinVar:

NM_000051.4(ATM):c.8063C>T (p.Ala2688Val)

Genes: ATM (ATM serine/threonine kinase; plus strand), C11orf65 (chromosome 11 open reading frame 65; minus strand). Cytogenetic location: 11q22.3.
Variant type: single nucleotide variant.
Coding change: c.8063C>T on transcript NM_000051.4 (MANE Select); coding-DNA position 8063, C replaced by T.
Protein change: p.Ala2688Val; replaces alanine 2688 with valine.
Molecular consequence: missense variant. On other transcripts: intron variant (2).
Genome position (GRCh38, 1-based): chr11:108,335,021, C>T. VCF-style: chr11-108335021-C-T. GRCh37 (hg19) VCF-style: chr11-108205748-C-T.
Other names: c.8063C>T, p.Ala2688Val (NM_001351834.2); c.641-25950G>A (NM_001330368.2); c.*38+199G>A (NM_001351110.2); short protein forms A2688V.
Identifiers: ClinVar variation 3663538 (VCV003663538.3).

ClinVar aggregate classification (germline): Uncertain significance. Review status: criteria provided, multiple submitters, no conflicts (2 of 4 stars). 2 submissions from 2 submitters: Uncertain significance (2). Last evaluated 2025-04-12.

Conditions:
Ataxia-telangiectasia syndrome (AT). Also called: Ataxia-telangiectasia, complementation group D; AT, COMPLEMENTATION GROUP C; ATAXIA-TELANGIECTASIA, COMPLEMENTATION GROUP A; ATAXIA-TELANGIECTASIA, FRESNO VARIANT; Ataxia-telangiectasia; Ataxia-telangiectasia, complementation group E. Identifiers: Orphanet 100, MedGen C0004135, MONDO:0008840, OMIM 208900.
Hereditary cancer-predisposing syndrome. Also called: Neoplastic Syndromes, Hereditary; Tumor predisposition; Hereditary Cancer Syndrome; Hereditary neoplastic syndrome. Identifiers: Orphanet 140162, MedGen C0027672, MeSH D009386, MONDO:0015356.

gnomAD v4.1: 2 of 1,613,868 alleles (0.00012%); highest among the groups gnomAD compares: South Asian, 0.0011%; no homozygotes.

Submissions (2):

Ambry Genetics
Classification: Uncertain significance for Hereditary cancer-predisposing syndrome. Last evaluated: 2025-04-12. Review status: criteria provided, single submitter. Criteria: Ambry Variant Classification Scheme 2023. Collection method: clinical testing. Allele origin: germline.
Comment: The p.A2688V variant (also known as c.8063C>T), located in coding exon 54 of the ATM gene, results from a C to T substitution at nucleotide position 8063. The alanine at codon 2688 is replaced by valine, an amino acid with similar properties. This amino acid position is conserved. In addition, this alteration is predicted to be tolerated by in silico analysis. Based on the available evidence, the clinical significance of this variant remains unclear.

Labcorp Genetics (formerly Invitae), Labcorp
Classification: Uncertain significance for Ataxia-telangiectasia syndrome. Last evaluated: 2024-08-27. Review status: criteria provided, single submitter. Criteria: Invitae Variant Classification Sherloc (09022015). Collection method: clinical testing. Allele origin: germline.
Comment: This sequence change replaces alanine, which is neutral and non-polar, with valine, which is neutral and non-polar, at codon 2688 of the ATM protein (p.Ala2688Val). This variant is not present in population databases (gnomAD no frequency). This variant has not been reported in the literature in individuals affected with ATM-related conditions. An algorithm developed to predict the effect of missense changes on protein structure and function (PolyPhen-2) suggests that this variant is likely to be tolerated. In summary, the available evidence is currently insufficient to determine the role of this variant in disease. Therefore, it has been classified as a Variant of Uncertain Significance.